The following is an entry in ClinVar:

NM_001710.6(CFB):c.337G>T (p.Glu113Ter)

Gene: CFB (complement factor B; plus strand). Cytogenetic location: 6p21.33.
Variant type: single nucleotide variant.
Coding change: c.337G>T on transcript NM_001710.6 (MANE Select); coding-DNA position 337, G replaced by T.
Protein change: p.Glu113Ter; replaces glutamic acid 113 with a stop codon.
Molecular consequence: nonsense.
Genome position (GRCh38, 1-based): chr6:31,947,045, G>T. VCF-style: chr6-31947045-G-T. GRCh37 (hg19) VCF-style: chr6-31914822-G-T.
Other names: short protein forms E113*.
Identifiers: ClinVar variation 4995948 (VCV004995948.1).
Genomic context (GRCh38, chr6:31,947,045, plus strand): 5'-TACTTGTCCCCCCTTCTCAAAGCAATCCACTGTCCAAGACCACACGACTTCGAGAACGGG[G>T]AATACTGGCCCCGGTCTCCCTACTACAATGTGAGTGATGAGATCTCTTTCCACTGCTATG-3'

ClinVar aggregate classification (germline): Uncertain significance (1 of 4 stars; one submission).

Conditions:
CFB-related disorder. Also called: CFB-related disorders; CFB-related condition.

Submission:

PreventionGenetics, part of Exact Sciences
Classification: Uncertain significance for CFB-related condition. Last evaluated: 2025-09-02. Review status: criteria provided, single submitter. Criteria: ACMG Guidelines, 2015. Collection method: clinical testing. Allele origin: germline.
Comment: The CFB c.337G>T variant is predicted to result in premature protein termination (p.Glu113*). To our knowledge, this variant has not been reported in the literature or in a large population database (gnomAD), indicating this variant is rare. Loss of function is not an established mechanism of CFB-related disease. At this time, the clinical significance of this variant is uncertain due to the absence of conclusive functional and genetic evidence.